The following is an entry in ClinVar:

ClinVar aggregate classification (germline): Uncertain significance (1 of 4 stars; one submission).

Submission:

CeGaT Center for Human Genetics Tuebingen
Classification: Uncertain significance. Last evaluated: 2022-09-01. Review status: criteria provided, single submitter. Criteria: CeGaT Center For Human Genetics Tuebingen Variant Classification Criteria Version 2. Collection method: clinical testing. Allele origin: germline. Affected: yes. Observed: 1 variant allele.
Comment: NLRP3: PM2, BP4

NM_001243133.2(NLRP3):c.379A>C (p.Ile127Leu)

Gene: NLRP3 (NLR family pyrin domain containing 3; plus strand). Cytogenetic location: 1q44.
Variant type: single nucleotide variant.
Coding change: c.379A>C on transcript NM_001243133.2 (MANE Select); coding-DNA position 379, A replaced by C.
Protein change: p.Ile127Leu; replaces isoleucine 127 with leucine.
Molecular consequence: missense variant.
Genome position (GRCh38, 1-based): chr1:247,423,331, A>C. VCF-style: chr1-247423331-A-C. GRCh37 (hg19) VCF-style: chr1-247586633-A-C.
Other names: c.379A>C, p.Ile127Leu (NM_001079821.3, NM_001127461.3, NM_001127462.3 and 1 more transcripts); c.385A>C, p.Ile129Leu (NM_004895.5); short protein forms I127L, I129L.
Identifiers: ClinVar variation 1711248 (VCV001711248.30), dbSNP rs2527246078, ClinGen allele CA345554513.
Genomic context (GRCh38, chr1:247,423,331, plus strand): 5'-CAGGAAGACAGCATTGAAGAGGAGTGGATGGGTTTACTGGAGTACCTTTCGAGAATCTCT[A>C]TTTGTAAAATGAAGAAAGGTAAGCGACTGGGGTGGTGCTTCTAGTTGAGTTTTAAGACCT-3'
Protein context (NP_001230062.1, residues 117-137): GLLEYLSRIS[Ile127Leu]CKMKKDYRKK